The following is an entry in ClinVar:

NM_017780.4(CHD7):c.3867del (p.Gly1290fs)

Gene: CHD7 (chromodomain helicase DNA binding protein 7; plus strand). Cytogenetic location: 8q12.2.
Variant type: Deletion.
Coding change: c.3867del on transcript NM_017780.4 (MANE Select); coding-DNA position 3867, one base deleted (T; older notation c.3867delT).
Protein change: p.Gly1290fs; shifts the reading frame from glycine 1290.
Molecular consequence: frameshift variant. On other transcripts: intron variant (1).
Genome position (GRCh38, 1-based): chr8:60,836,161, T deleted. VCF-style (leftmost placement, unchanged base first): chr8-60836160-CT-C. GRCh37 (hg19) VCF-style: chr8-61748719-CT-C.
Other names: c.1717-26068del (NM_001316690.1); short protein forms G1290fs.
Identifiers: ClinVar variation 4813807 (VCV004813807.1).

ClinVar aggregate classification (germline): Pathogenic (1 of 4 stars; one submission).

Conditions:
CHD7-related CHARGE syndrome. Identifiers: MedGen CN380413, MONDO:1010178, OMIM 214800.

Submission:

Variantyx, Inc.
Classification: Pathogenic for CHD7-related CHARGE syndrome. Last evaluated: 2025-10-27. Review status: criteria provided, single submitter. Criteria: Variantyx Assertion Criteria 2022. Collection method: clinical testing. Allele origin: germline. Inheritance: Autosomal recessive inheritance. Affected: yes.
Comment: This is a frameshift variant in the CHD7 gene (OMIM: 608892). Pathogenic variants in this gene have been associated with autosomal dominant CHARGE syndrome. This variant introduces a premature termination codon in exon 16 out of 38 and is expected to result in loss of function, which is a known disease mechanism for CHD7 in this disorder (PMID: 22461308, 25077900) (PVS1). This variant is absent from control populations (PM2) and has not been reported in individuals with CHD7-related disorders in the databases available for review. Based on the current evidence, this variant is classified as pathogenic for autosomal dominant CHARGE syndrome.

Literature cited by the submitters: PubMed 22461308; PubMed 25077900.